The following is an entry in ClinVar:

ClinVar aggregate classification (germline): Pathogenic (1 of 4 stars; one submission).

Conditions:
Hereditary hemochromatosis (HFE). Identifiers: MedGen C0392514, MONDO:0006507. Disease mechanism: loss of function.

Submission:

Labcorp Genetics (formerly Invitae), Labcorp
Classification: Pathogenic for Hereditary hemochromatosis. Last evaluated: 2023-12-18. Review status: criteria provided, single submitter. Criteria: Invitae Variant Classification Sherloc (09022015). Collection method: clinical testing. Allele origin: germline.
Comment: This sequence change creates a premature translational stop signal (p.Asp230Glyfs*212) in the TFR2 gene. It is expected to result in an absent or disrupted protein product. Loss-of-function variants in TFR2 are known to be pathogenic (PMID: 23600741, 26029709). This variant is not present in population databases (gnomAD no frequency). This variant has not been reported in the literature in individuals affected with TFR2-related conditions. For these reasons, this variant has been classified as Pathogenic.

Literature cited by the submitters: PubMed 23600741; PubMed 26029709.

NM_003227.4(TFR2):c.689_690del (p.Asp230fs)

Gene: TFR2 (transferrin receptor 2; minus strand). Cytogenetic location: 7q22.1.
Variant type: Deletion.
Coding change: c.689_690del on transcript NM_003227.4 (MANE Select); coding-DNA positions 689 to 690, 2 bases deleted (AC; older notation c.689_690delAC).
Protein change: p.Asp230fs; shifts the reading frame from aspartic acid 230.
Molecular consequence: frameshift variant.
Genome position (GRCh38, 1-based): chr7:100,633,265-100,633,266, GT deleted on the plus strand (AC on the coding strand, the reverse complement: TFR2 is on the minus strand). VCF-style (leftmost placement, unchanged base first): chr7-100633264-CGT-C. GRCh37 (hg19) VCF-style: chr7-100230887-CGT-C.
Other names: c.176_177del, p.Asp59fs (NM_001206855.3); short protein forms D230fs, D59fs.
Identifiers: ClinVar variation 2704006 (VCV002704006.3), dbSNP rs2486134236, ClinGen allele CA2697557468.